The following is an entry in ClinVar:

ClinVar aggregate classification (germline): Pathogenic (1 of 4 stars; one submission).

Conditions:
Primary ciliary dyskinesia. Also called: Ciliary dyskinesia. Identifiers: Orphanet 244, MedGen C0008780, MONDO:0016575, HP:0012265.

Submission:

Labcorp Genetics (formerly Invitae), Labcorp
Classification: Pathogenic for Primary ciliary dyskinesia. Last evaluated: 2023-03-12. Review status: criteria provided, single submitter. Criteria: Invitae Variant Classification Sherloc (09022015). Collection method: clinical testing. Allele origin: germline.
Comment: For these reasons, this variant has been classified as Pathogenic. This variant has not been reported in the literature in individuals affected with DNAH5-related conditions. This variant is not present in population databases (gnomAD no frequency). This sequence change creates a premature translational stop signal (p.Gly1976Glufs*78) in the DNAH5 gene. It is expected to result in an absent or disrupted protein product. Loss-of-function variants in DNAH5 are known to be pathogenic (PMID: 11788826, 16627867).

Literature cited by the submitters: PubMed 11788826; PubMed 16627867.

NM_001369.3(DNAH5):c.5927del (p.Gly1976fs)

Gene: DNAH5 (dynein axonemal heavy chain 5; minus strand). Cytogenetic location: 5p15.2.
Variant type: Deletion.
Coding change: c.5927del on transcript NM_001369.3 (MANE Select); coding-DNA position 5927, one base deleted (G; older notation c.5927delG).
Protein change: p.Gly1976fs; shifts the reading frame from glycine 1976.
Molecular consequence: frameshift variant.
Genome position (GRCh38, 1-based): chr5:13,830,731, C deleted on the plus strand (G on the coding strand, the reverse complement: DNAH5 is on the minus strand); the first of 6 consecutive C bases (chr5:13,830,731-13,830,736); deleting any one gives the same sequence. VCF-style (leftmost placement, unchanged base first): chr5-13830730-TC-T. GRCh37 (hg19) VCF-style: chr5-13830839-TC-T.
Other names: short protein forms G1976fs.
Identifiers: ClinVar variation 2845273 (VCV002845273.3), dbSNP rs1233412023, ClinGen allele CA443253220.